The following is an entry in ClinVar:

ClinVar aggregate classification (germline): Uncertain significance. Review status: criteria provided, multiple submitters, no conflicts (2 of 4 stars). 2 submissions from 2 submitters: Uncertain significance (2). Last evaluated 2024-03-19.

Conditions:
Hereditary nonpolyposis colorectal neoplasms. Identifiers: MedGen C0009405, MeSH D003123.
Hereditary cancer-predisposing syndrome. Also called: Tumor predisposition; Neoplastic Syndromes, Hereditary; Hereditary neoplastic syndrome; Hereditary Cancer Syndrome. Identifiers: Orphanet 140162, MedGen C0027672, MeSH D009386, MONDO:0015356.

Submissions (2):

Labcorp Genetics (formerly Invitae), Labcorp
Classification: Uncertain significance for Hereditary nonpolyposis colorectal neoplasms. Last evaluated: 2024-03-19. Review status: criteria provided, single submitter. Criteria: Invitae Variant Classification Sherloc (09022015). Collection method: clinical testing. Allele origin: germline.
Comment: This sequence change replaces proline, which is neutral and non-polar, with alanine, which is neutral and non-polar, at codon 462 of the MSH6 protein (p.Pro462Ala). This variant is not present in population databases (gnomAD no frequency). This variant has not been reported in the literature in individuals affected with MSH6-related conditions. ClinVar contains an entry for this variant (Variation ID: 631046). Advanced modeling of protein sequence and biophysical properties (such as structural, functional, and spatial information, amino acid conservation, physicochemical variation, residue mobility, and thermodynamic stability) performed at Invitae indicates that this missense variant is expected to disrupt MSH6 protein function with a positive predictive value of 95%. In summary, the available evidence is currently insufficient to determine the role of this variant in disease. Therefore, it has been classified as a Variant of Uncertain Significance.

Color Diagnostics, LLC DBA Color Health
Classification: Uncertain significance for Hereditary cancer-predisposing syndrome. Last evaluated: 2023-12-05. Review status: criteria provided, single submitter. Criteria: ACMG Guidelines, 2015. Collection method: clinical testing. Allele origin: germline.
Comment: This missense variant replaces proline with alanine at codon 462 of the MSH6 protein. Computational prediction suggests that this variant may have deleterious impact on protein structure and function (internally defined REVEL score threshold >= 0.7, PMID: 27666373). To our knowledge, functional studies have not been reported for this variant. This variant has not been reported in individuals affected with MSH6-related disorders in the literature. This variant has not been identified in the general population by the Genome Aggregation Database (gnomAD). The available evidence is insufficient to determine the role of this variant in disease conclusively. Therefore, this variant is classified as a Variant of Uncertain Significance.

NM_000179.3(MSH6):c.1384C>G (p.Pro462Ala)

Gene: MSH6 (mutS homolog 6; plus strand). Cytogenetic location: 2p16.3.
Variant type: single nucleotide variant.
Coding change: c.1384C>G on transcript NM_000179.3 (MANE Select); coding-DNA position 1384, C replaced by G.
Protein change: p.Pro462Ala; replaces proline 462 with alanine.
Molecular consequence: missense variant.
Genome position (GRCh38, 1-based): chr2:47,799,367, C>G. VCF-style: chr2-47799367-C-G. GRCh37 (hg19) VCF-style: chr2-48026506-C-G.
Other names: c.994C>G, p.Pro332Ala (NM_001281492.2); c.478C>G, p.Pro160Ala (NM_001281493.2, NM_001281494.2); short protein forms P462A, P332A, P160A.
Identifiers: ClinVar variation 631046 (VCV000631046.7), dbSNP rs876658726, ClinGen allele CA346745020.